The following is an entry in ClinVar:

ClinVar aggregate classification (germline): Pathogenic (1 of 4 stars; one submission).

Submission:

Baylor Genetics
Classification: Pathogenic. Last evaluated: 2018-11-01. Review status: criteria provided, single submitter. Criteria: ACMG CNV Guidelines, 2011. Collection method: clinical testing. Allele origin: de novo. Affected: yes. Observed: 1 variant allele.

GRCh37/hg19 1q42.3-43(chr1:234742890-239475761)

Genes: GPR137B (G protein-coupled receptor 137B; plus strand), HEATR1 (HEAT repeat containing 1; minus strand), IRF2BP2 (interferon regulatory factor 2 binding protein 2; minus strand), LGALS8 (galectin 8; plus strand), LNCATV (lncRNA negative regulator of antiviral signaling; minus strand) and 16 more. Cytogenetic location: 1q42.3-43.
Variant type: copy number loss.
Identifiers: ClinVar variation 625533 (VCV000625533.1).